The following is an entry in ClinVar:

ClinVar aggregate classification (germline): Benign/Likely benign. Review status: criteria provided, multiple submitters, no conflicts (2 of 4 stars). 4 submissions from 4 submitters: Benign (1); Likely benign (2). 1 of the submissions does not count toward it. Last evaluated 2025-10-22.

Conditions:
SCN2A-related disorder. Also called: SCN2A-related condition; SCN2A-related disorders. Identifiers: MedGen CN382226, MONDO:1060245.
Developmental and epileptic encephalopathy, 11 (DEE11). Also called: Early infantile epileptic encephalopathy 11. Identifiers: Orphanet 1934, MedGen C3150987, MONDO:0013388, OMIM 613721.
Seizures, benign familial infantile, 3 (BFIS3). Also called: Familial neonatal seizures; CONVULSIONS, BENIGN FAMILIAL INFANTILE, 3. Identifiers: Orphanet 140927, Orphanet 306, MedGen C1843140, MONDO:0011904, OMIM 607745.

Allele frequency attached by ClinVar (database versions not stated): gnomAD exomes below 0.00001 and 0.00001; ExAC 0.00001; gnomAD 0.00002; TOPMed 0.00003.
gnomAD v4.1: 18 of 1,611,866 alleles (0.0011%); highest among the groups gnomAD compares: African/African-American, 0.015%; 1 homozygote.

Submissions (4):

Labcorp Genetics (formerly Invitae), Labcorp
Classification: Likely benign for Seizures, benign familial infantile, 3; Developmental and epileptic encephalopathy, 11. Last evaluated: 2025-10-22. Review status: criteria provided, single submitter. Criteria: Invitae Variant Classification Sherloc (09022015). Collection method: clinical testing. Allele origin: germline.

Blueprint Genetics
Classification: Likely benign. Last evaluated: 2023-03-28. Review status: criteria provided, single submitter. Criteria: ACMG Guidelines, 2015. Collection method: clinical testing. Allele origin: germline.

GeneDx
Classification: Benign. Last evaluated: 2015-03-03. Review status: criteria provided, single submitter. Criteria: GeneDx Variant Classification Process June 2021. Collection method: clinical testing. Allele origin: germline. Affected: yes.

PreventionGenetics, part of Exact Sciences
Classification: Likely benign for SCN2A-related condition. Last evaluated: 2019-03-12. Review status: no assertion criteria provided. Collection method: clinical testing. Allele origin: germline. Not counted in ClinVar's aggregate classification.
Comment: This variant is classified as likely benign based on ACMG/AMP sequence variant interpretation guidelines (Richards et al. 2015 PMID: 25741868, with internal and published modifications).

NM_001040142.2(SCN2A):c.5994A>G (p.Lys1998=)

Gene: SCN2A (sodium voltage-gated channel alpha subunit 2; plus strand). Cytogenetic location: 2q24.3.
Variant type: single nucleotide variant.
Coding change: c.5994A>G on transcript NM_001040142.2 (MANE Select); coding-DNA position 5994, A replaced by G.
Protein change: p.Lys1998=; no amino-acid change (lysine 1998 retained).
Molecular consequence: synonymous variant.
Genome position (GRCh38, 1-based): chr2:165,389,800, A>G. VCF-style: chr2-165389800-A-G. GRCh37 (hg19) VCF-style: chr2-166246310-A-G.
Other names: c.5994A>G, p.Lys1998= (NM_001040143.2, NM_001371246.1, NM_001371247.1 and 1 more transcripts).
Identifiers: ClinVar variation 702919 (VCV000702919.16), dbSNP rs745810335, ClinGen allele CA1940452.